The following is an entry in ClinVar:

ClinVar aggregate classification (germline): Benign/Likely benign. Review status: criteria provided, multiple submitters, no conflicts (2 of 4 stars). 7 submissions from 7 submitters: Benign (3); Likely benign (3). 1 of the submissions does not count toward it. Last evaluated 2026-01-15.

Conditions:
GPSM2-related disorder. Also called: GPSM2-related condition; GPSM2-related disorders.
Chudley-McCullough syndrome (CMCS). Also called: DEAFNESS, SENSORINEURAL, WITH PARTIAL AGENESIS OF THE CORPUS CALLOSUM AND ARACHNOID CYSTS; Deafness, autosomal recessive 82. Identifiers: Orphanet 314597, MedGen C1858695, MONDO:0011411, OMIM 604213.

Allele frequency attached by ClinVar (database versions not stated): gnomAD exomes 0.00021 and 0.00056; ExAC 0.00083; gnomAD 0.00226 and 0.00233; TOPMed 0.00272; ESP Exome Variant Server 0.00284; 1000 Genomes Project 0.00359; 1000 Genomes Project 30x 0.00406.
gnomAD v4.1: 649 of 1,612,714 alleles (0.04%); highest among the groups gnomAD compares: African/African-American, 0.8%; 1 homozygote.

Submissions (10):

Labcorp Genetics (formerly Invitae), Labcorp
Classification: Benign. Last evaluated: 2026-01-15. Review status: criteria provided, single submitter. Criteria: Invitae Variant Classification Sherloc (09022015). Collection method: clinical testing. Allele origin: germline.

Fulgent Genetics
Classification: Likely benign for Chudley-McCullough syndrome. Last evaluated: 2021-07-11. Review status: criteria provided, single submitter. Criteria: ACMG Guidelines, 2015. Collection method: clinical testing. Allele origin: unknown.

GeneDx
Classification: Benign. Last evaluated: 2019-08-09. Review status: criteria provided, single submitter. Criteria: GeneDx Variant Classification Process June 2021. Collection method: clinical testing. Allele origin: germline. Affected: yes.

Genetic Services Laboratory, University of Chicago
Classification: Likely benign. Last evaluated: 2016-01-05. Review status: criteria provided, single submitter. Criteria: ACMG Guidelines, 2015. Collection method: clinical testing. Allele origin: germline. Affected: no.

Laboratory for Molecular Medicine, Mass General Brigham Personalized Medicine
Classification: Benign. Last evaluated: 2012-04-30. Review status: criteria provided, single submitter. Criteria: LMM Criteria. Collection method: clinical testing. Allele origin: germline. Observed: 6 variant alleles.
Comment: 1816-8A>G in Intron 14 of GPSM2: This variant is not expected to have clinical s ignificance because it has been identified in 0.8% (29/3738) of African American chromosomes from a broad population by the NHLBI Exome Sequencing Project (dbSNP rs138132875).

Breakthrough Genomics
Classification: Likely benign. Review status: criteria provided, single submitter. Criteria: ACMG Guidelines, 2015. Collection method: not provided. Allele origin: germline. Inheritance: Autosomal recessive inheritance. Affected: yes.

PreventionGenetics, part of Exact Sciences
Classification: Benign for GPSM2-related condition. Last evaluated: 2020-11-16. Review status: no assertion criteria provided. Collection method: clinical testing. Allele origin: germline. Not counted in ClinVar's aggregate classification.
Comment: This variant is classified as benign based on ACMG/AMP sequence variant interpretation guidelines (Richards et al. 2015 PMID: 25741868, with internal and published modifications).

Dr. Peter K. Rogan Lab, Western University
No classification provided (evidence only). Condition: Lung cancer. Review status: no classification provided. Collection method: in vitro. Allele origin: not applicable. Functional consequence: retained intron. Not counted in ClinVar's aggregate classification.

Dr. Peter K. Rogan Lab, Western University
No classification provided (evidence only). Condition: Familial cancer of breast. Review status: no classification provided. Collection method: in vitro. Allele origin: not applicable. Functional consequence: retained intron. Not counted in ClinVar's aggregate classification.

Dr. Peter K. Rogan Lab, Western University
No classification provided (evidence only). Condition: Cervical cancer. Review status: no classification provided. Collection method: in vitro. Allele origin: not applicable. Functional consequence: retained intron. Not counted in ClinVar's aggregate classification.

NM_013296.5(GPSM2):c.1816-8A>G

Genes: CLCC1 (chloride channel CLIC like 1; minus strand), GPSM2 (G protein signaling modulator 2; plus strand). Cytogenetic location: 1p13.3.
Variant type: single nucleotide variant.
Coding change: c.1816-8A>G on transcript NM_013296.5 (MANE Select); 8 bases into the intron before coding-DNA position 1816, A replaced by G.
Molecular consequence: intron variant. On other transcripts: 3 prime UTR variant (17), non-coding transcript variant (1).
Genome position (GRCh38, 1-based): chr1:108,929,693, A>G. VCF-style: chr1-108929693-A-G. GRCh37 (hg19) VCF-style: chr1-109472315-A-G.
Other names: c.*2854T>C (NM_001048210.3, NM_001278202.2, NM_001278203.1 and 10 more transcripts); c.*2859T>C (NM_001377459.1, NM_001377460.1, NM_001377462.1 and 1 more transcripts); c.1816-8A>G (NM_001321038.2, NM_001321039.3).
Identifiers: ClinVar variation 163641 (VCV000163641.25), dbSNP rs138132875, ClinGen allele CA176258.